The following is an entry in ClinVar:

ClinVar aggregate classification (germline): Uncertain significance (1 of 4 stars; one submission).

Conditions:
Tuberous sclerosis 2 (TSC2). Identifiers: Orphanet 805, MedGen C1860707, MONDO:0013199, OMIM 613254.

Submission:

Labcorp Genetics (formerly Invitae), Labcorp
Classification: Uncertain significance for Tuberous sclerosis 2. Last evaluated: 2020-01-05. Review status: criteria provided, single submitter. Criteria: Invitae Variant Classification Sherloc (09022015). Collection method: clinical testing. Allele origin: germline.
Comment: In summary, the available evidence is currently insufficient to determine the role of this variant in disease. Therefore, it has been classified as a Variant of Uncertain Significance. Algorithms developed to predict the effect of missense changes on protein structure and function are either unavailable or do not agree on the potential impact of this missense change (SIFT: "Deleterious"; PolyPhen-2: "Benign"; Align-GVGD: "Class C0"). This variant has not been reported in the literature in individuals with TSC2-related conditions. This variant is not present in population databases (ExAC no frequency). This sequence change replaces valine with phenylalanine at codon 692 of the TSC2 protein (p.Val692Phe). The valine residue is highly conserved and there is a small physicochemical difference between valine and phenylalanine.

NM_000548.5(TSC2):c.2074G>T (p.Val692Phe)

Gene: TSC2 (TSC complex subunit 2; plus strand). Cytogenetic location: 16p13.3.
Variant type: single nucleotide variant.
Coding change: c.2074G>T on transcript NM_000548.5 (MANE Select); coding-DNA position 2074, G replaced by T.
Protein change: p.Val692Phe; replaces valine 692 with phenylalanine.
Molecular consequence: missense variant.
Genome position (GRCh38, 1-based): chr16:2,071,911, G>T. VCF-style: chr16-2071911-G-T. GRCh37 (hg19) VCF-style: chr16-2121912-G-T.
Other names: c.2074G>T, p.Val692Phe (NM_001077183.3, NM_001114382.3, NM_001363528.2 and 3 more transcripts); c.1963G>T, p.Val655Phe (NM_001318827.2); c.1927G>T, p.Val643Phe (NM_001318829.2); c.1474G>T, p.Val492Phe (NM_001318831.2); c.2107G>T, p.Val703Phe (NM_001318832.2); short protein forms V692F, V703F, V643F, V655F, V492F.
Identifiers: ClinVar variation 406002 (VCV000406002.10), dbSNP rs201769220, ClinGen allele CA16614736.